The following is an entry in ClinVar:

ClinVar aggregate classification (germline): Uncertain significance (1 of 4 stars; one submission).

Submission:

Labcorp Genetics (formerly Invitae), Labcorp
Classification: Uncertain significance. Last evaluated: 2023-10-03. Review status: criteria provided, single submitter. Criteria: Invitae Variant Classification Sherloc (09022015). Collection method: clinical testing. Allele origin: germline.
Comment: A copy number gain of the genomic region encompassing the full coding sequence of the KCNQ4 gene has been identified. The boundaries of this event are unknown as they extend beyond the assayed region for this gene and therefore may encompass additional genes. As the precise location of this event is unknown, it may be in tandem or it may be located elsewhere in the genome. This variant has not been reported in the literature in individuals affected with KCNQ4-related conditions. In summary, the available evidence is currently insufficient to determine the role of this variant in disease. Therefore, it has been classified as a Variant of Uncertain Significance.

NC_000001.10:g.(?_41249766)_(41475917_?)dup

Genes: CITED4 (Cbp/p300 interacting transactivator with Glu/Asp rich carboxy-terminal domain 4; minus strand), CTPS1 (CTP synthase 1; plus strand), KCNQ4 (potassium voltage-gated channel subfamily Q member 4; plus strand). Cytogenetic location: 1p34.2.
Variant type: Duplication.
Identifiers: ClinVar variation 2425202 (VCV002425202.3).